The following is an entry in ClinVar:

ClinVar aggregate classification (germline): Uncertain significance. Review status: criteria provided, multiple submitters, no conflicts (2 of 4 stars). 3 submissions from 3 submitters: Uncertain significance (3). Last evaluated 2025-10-13.

Conditions:
Cardiovascular phenotype. Identifiers: MedGen CN230736.
Familial hypobetalipoproteinemia 1. Also called: APOB-Related Familial Hypobetalipoproteinemia; Hypobetalipoproteinemia, normotriglyceridemic; Acanthocytosis with hypobetalipoproteinemia. Identifiers: MedGen C4551990, MONDO:0014252, OMIM 615558.
Hypercholesterolemia, autosomal dominant, type B (FHCL2). Also called: Familial hypercholesterolemia 2; APOB-Related Familial Hypercholesterolemia, Autosomal Dominant; Familial Hypercholesterolemia Type B; Hyperlipoproteinemia Type IIb; APOLIPOPROTEIN B-100, FAMILIAL DEFECTIVE; APOLIPOPROTEIN B-100, FAMILIAL LIGAND-DEFECTIVE. Identifiers: MedGen C1704417, MONDO:0007751, OMIM 144010.

gnomAD v4.1: 1 of 1,614,194 alleles (0.000062%); highest among the groups gnomAD compares: Non-Finnish European, 0.000085%; no homozygotes.

Submissions (3):

Labcorp Genetics (formerly Invitae), Labcorp
Classification: Uncertain significance for Familial hypobetalipoproteinemia 1; Hypercholesterolemia, autosomal dominant, type B. Last evaluated: 2025-10-13. Review status: criteria provided, single submitter. Criteria: Invitae Variant Classification Sherloc (09022015). Collection method: clinical testing. Allele origin: germline.
Comment: This sequence change replaces isoleucine, which is neutral and non-polar, with asparagine, which is neutral and polar, at codon 957 of the APOB protein (p.Ile957Asn). This variant is not present in population databases (gnomAD no frequency). This variant has not been reported in the literature in individuals affected with APOB-related conditions. ClinVar contains an entry for this variant (Variation ID: 1297037). Invitae Evidence Modeling of protein sequence and biophysical properties (such as structural, functional, and spatial information, amino acid conservation, physicochemical variation, residue mobility, and thermodynamic stability) indicates that this missense variant is not expected to disrupt APOB protein function with a negative predictive value of 95%. In summary, the available evidence is currently insufficient to determine the role of this variant in disease. Therefore, it has been classified as a Variant of Uncertain Significance.

Ambry Genetics
Classification: Uncertain significance for Cardiovascular phenotype. Last evaluated: 2024-07-17. Review status: criteria provided, single submitter. Criteria: Ambry Variant Classification Scheme 2023. Collection method: clinical testing. Allele origin: germline.
Comment: The p.I957N variant (also known as c.2870T>A), located in coding exon 19 of the APOB gene, results from a T to A substitution at nucleotide position 2870. The isoleucine at codon 957 is replaced by asparagine, an amino acid with dissimilar properties. This amino acid position is conserved. In addition, this alteration is predicted to be tolerated by in silico analysis. Based on the available evidence, the clinical significance of this variant remains unclear.

Institute of Human Genetics, University of Leipzig Medical Center
Classification: Uncertain significance for Hypercholesterolemia, autosomal dominant, type B. Last evaluated: 2021-04-12. Review status: criteria provided, single submitter. Criteria: ACMG Guidelines, 2015. Collection method: clinical testing. Allele origin: unknown. Affected: yes.

NM_000384.3(APOB):c.2870T>A (p.Ile957Asn)

Gene: APOB (apolipoprotein B; minus strand). Cytogenetic location: 2p24.1.
Variant type: single nucleotide variant.
Coding change: c.2870T>A on transcript NM_000384.3 (MANE Select); coding-DNA position 2870, T replaced by A.
Protein change: p.Ile957Asn; replaces isoleucine 957 with asparagine.
Molecular consequence: missense variant.
Genome position (GRCh38, 1-based): chr2:21,019,852, A>T on the plus strand (T>A on the coding strand, the complement: APOB is on the minus strand). VCF-style: chr2-21019852-A-T. GRCh37 (hg19) VCF-style: chr2-21242724-A-T.
Other names: c.2870T>A (NM_000384.2); short protein forms I957N.
Identifiers: ClinVar variation 1297037 (VCV001297037.3), dbSNP rs2103367360, ClinGen allele CA346010350.